The following is an entry in ClinVar:

ClinVar aggregate classification (germline): Uncertain significance (1 of 4 stars; one submission).

Conditions:
Progressive sclerosing poliodystrophy (MTDPS4A). Also called: Mitochondrial DNA Depletion Syndrome 4A; ALPERS PROGRESSIVE INFANTILE POLIODYSTROPHY; NEURONAL DEGENERATION OF CHILDHOOD WITH LIVER DISEASE, PROGRESSIVE; Mitochondrial DNA depletion syndrome 4A (Alpers type); Alpers Syndrome; ALPERS DIFFUSE DEGENERATION OF CEREBRAL GRAY MATTER WITH HEPATIC CIRRHOSIS. Identifiers: Orphanet 726, MedGen C0205710, MONDO:0008758, OMIM 203700.

Submission:

Labcorp Genetics (formerly Invitae), Labcorp
Classification: Uncertain significance for Progressive sclerosing poliodystrophy. Last evaluated: 2023-10-18. Review status: criteria provided, single submitter. Criteria: Invitae Variant Classification Sherloc (09022015). Collection method: clinical testing. Allele origin: germline.
Comment: This variant, c.155_175dup, results in the insertion of 7 amino acid(s) of the POLG protein (p.Gln52_Gln58dup), but otherwise preserves the integrity of the reading frame. This variant is not present in population databases (gnomAD no frequency). This variant has not been reported in the literature in individuals affected with POLG-related conditions. In summary, the available evidence is currently insufficient to determine the role of this variant in disease. Therefore, it has been classified as a Variant of Uncertain Significance.

NM_002693.3(POLG):c.155_175dup (p.Gln58_Pro59insGlnGlnGlnGlnProGlnGln)

Genes: POLG (DNA polymerase gamma, catalytic subunit; minus strand), POLGARF (POLG alternative reading frame; minus strand). Cytogenetic location: 15q26.1.
Variant type: Duplication.
Coding change: c.155_175dup on transcript NM_002693.3 (MANE Select); coding-DNA positions 155 to 175, 21 bases duplicated (AGCAACAGCAGCCTCAGCAGC).
Protein change: p.Gln58_Pro59insGlnGlnGlnGlnProGlnGln.
Molecular consequence: inframe insertion.
Genome position (GRCh38, 1-based): chr15:89,333,580-89,333,600, GCTGCTGAGGCTGCTGTTGCT duplicated on the plus strand (AGCAACAGCAGCCTCAGCAGC on the coding strand, the reverse complement: POLG is on the minus strand); duplicating any 21 consecutive bases within chr15:89,333,580-89,333,607 gives the same sequence; the c. name uses the placement nearest the transcript's 3' end. VCF-style (leftmost placement, unchanged base first): chr15-89333579-G-GGCTGCTGAGGCTGCTGTTGCT. GRCh37 (hg19) VCF-style: chr15-89876810-G-GGCTGCTGAGGCTGCTGTTGCT.
Other names: c.155_175dup, p.Gln58_Pro59insGlnGlnGlnGlnProGlnGln (NM_001126131.2).
Identifiers: ClinVar variation 2998679 (VCV002998679.3), dbSNP rs2055625541, ClinGen allele CA972594117.